The following is an entry in ClinVar:

NM_000264.5(PTCH1):c.3920C>A (p.Pro1307His)

Gene: PTCH1 (patched 1; minus strand). Cytogenetic location: 9q22.32.
Variant type: single nucleotide variant.
Coding change: c.3920C>A on transcript NM_000264.5 (MANE Select); coding-DNA position 3920, C replaced by A.
Protein change: p.Pro1307His; replaces proline 1307 with histidine.
Molecular consequence: missense variant. On other transcripts: non-coding transcript variant (1).
Genome position (GRCh38, 1-based): chr9:95,447,336, G>T on the plus strand (C>A on the coding strand, the complement: PTCH1 is on the minus strand). VCF-style: chr9-95447336-G-T. GRCh37 (hg19) VCF-style: chr9-98209618-G-T.
Other names: c.3722C>A, p.Pro1241His (NM_001083602.3); c.3917C>A, p.Pro1306His (NM_001083603.3); c.3467C>A, p.Pro1156His (NM_001083604.3, NM_001083605.3, NM_001083606.3 and 1 more transcripts); c.3764C>A, p.Pro1255His (NM_001354918.2); short protein forms P1307H, P1241H, P1306H, P1156H, P1255H.
Identifiers: ClinVar variation 861835 (VCV000861835.10), dbSNP rs181585555, ClinGen allele CA5138004.

ClinVar aggregate classification (germline): Conflicting classifications of pathogenicity. Review status: criteria provided, conflicting classifications (1 of 4 stars). 2 submissions from 2 submitters: Uncertain significance (1); Benign (1). Last evaluated 2025-04-15.

Conditions:
Hereditary cancer-predisposing syndrome. Also called: Hereditary neoplastic syndrome; Tumor predisposition; Neoplastic Syndromes, Hereditary; Hereditary Cancer Syndrome. Identifiers: Orphanet 140162, MedGen C0027672, MeSH D009386, MONDO:0015356.
Gorlin syndrome. Also called: Nevoid Basal Cell Carcinoma Syndrome; Basal cell nevus syndrome. Identifiers: Orphanet 377, MedGen C0004779, MONDO:0007187.

gnomAD v4.1: 7 of 1,613,366 alleles (0.00043%); highest among the groups gnomAD compares: Admixed American, 0.0017%; no homozygotes.

Submissions (2):

Ambry Genetics
Classification: Uncertain significance for Hereditary cancer-predisposing syndrome. Last evaluated: 2025-04-15. Review status: criteria provided, single submitter. Criteria: Ambry Variant Classification Scheme 2023. Collection method: clinical testing. Allele origin: germline.
Comment: The p.P1307H variant (also known as c.3920C>A), located in coding exon 23 of the PTCH1 gene, results from a C to A substitution at nucleotide position 3920. The proline at codon 1307 is replaced by histidine, an amino acid with similar properties. This amino acid position is not well conserved in available vertebrate species. In addition, this alteration is predicted to be tolerated by in silico analysis. Based on the available evidence, the clinical significance of this variant remains unclear.

Labcorp Genetics (formerly Invitae), Labcorp
Classification: Benign for Gorlin syndrome. Last evaluated: 2024-06-17. Review status: criteria provided, single submitter. Criteria: Invitae Variant Classification Sherloc (09022015). Collection method: clinical testing. Allele origin: germline.